The following is an entry in ClinVar:

ClinVar aggregate classification (germline): Likely pathogenic (1 of 4 stars; one submission).

Submission:

Labcorp Genetics (formerly Invitae), Labcorp
Classification: Likely pathogenic. Last evaluated: 2023-05-08. Review status: criteria provided, single submitter. Criteria: Invitae Variant Classification Sherloc (09022015). Collection method: clinical testing. Allele origin: germline.
Comment: In summary, the currently available evidence indicates that the variant is pathogenic, but additional data are needed to prove that conclusively. Therefore, this variant has been classified as Likely Pathogenic. Variants that disrupt the consensus splice site are a relatively common cause of aberrant splicing (PMID: 17576681, 9536098). Algorithms developed to predict the effect of sequence changes on RNA splicing suggest that this variant may disrupt the consensus splice site. ClinVar contains an entry for this variant (Variation ID: 2130310). This variant has been observed in individual(s) with clinical features of surfactant deficiency (Invitae). In at least one individual the data is consistent with being in trans (on the opposite chromosome) from a pathogenic variant. This variant is present in population databases (rs746836333, gnomAD 0.0009%). This sequence change falls in intron 11 of the ABCA3 gene. It does not directly change the encoded amino acid sequence of the ABCA3 protein. It affects a nucleotide within the consensus splice site.

Literature cited by the submitters: PubMed 17576681; PubMed 9536098.

NM_001089.3(ABCA3):c.1285+4_1285+7del

Gene: ABCA3 (ATP binding cassette subfamily A member 3; minus strand). Cytogenetic location: 16p13.3.
Variant type: Deletion.
Coding change: c.1285+4_1285+7del on transcript NM_001089.3 (MANE Select); bases 4 to 7 of the intron after coding-DNA position 1285, 4 bases deleted (AGTG; older notation c.1285+4_1285+7delAGTG).
Molecular consequence: splice donor variant.
Genome position (GRCh38, 1-based): chr16:2,308,443-2,308,446, CACT deleted on the plus strand (AGTG on the coding strand, the reverse complement: ABCA3 is on the minus strand); deleting any 4 consecutive bases within chr16:2,308,443-2,308,449 gives the same sequence; the c. name uses the placement nearest the transcript's 3' end. VCF-style (leftmost placement, unchanged base first): chr16-2308442-ACACT-A. GRCh37 (hg19) VCF-style: chr16-2358443-ACACT-A.
Identifiers: ClinVar variation 2130310 (VCV002130310.4), dbSNP rs746836333, ClinGen allele CA7841310.